The following is an entry in ClinVar:

ClinVar aggregate classification (germline): Uncertain significance (1 of 4 stars; one submission).

Conditions:
Emery-Dreifuss muscular dystrophy (EDMD). Also called: Scapuloperoneal syndrome, X-linked (formerly); Humeroperoneal neuromuscular disease, (formerly). Identifiers: Orphanet 261, MedGen C0410189, MONDO:0016830.

Allele frequency attached by ClinVar (database versions not stated): gnomAD exomes 0.00006 and 0.00011; TOPMed 0.00007; ESP Exome Variant Server 0.00008; gnomAD 0.00011 and 0.00012; ExAC 0.00023.
gnomAD v4.1: 106 of 1,604,338 alleles (0.0066%); highest among the groups gnomAD compares: Non-Finnish European, 0.0075%; no homozygotes.

Submission:

Labcorp Genetics (formerly Invitae), Labcorp
Classification: Uncertain significance for Emery-Dreifuss muscular dystrophy. Last evaluated: 2025-11-03. Review status: criteria provided, single submitter. Criteria: Invitae Variant Classification Sherloc (09022015). Collection method: clinical testing. Allele origin: germline.
Comment: This sequence change replaces glutamic acid, which is acidic and polar, with aspartic acid, which is acidic and polar, at codon 438 of the SUN2 protein (p.Glu438Asp). This variant is present in population databases (rs200311518, gnomAD 0.02%). This missense change has been observed in individual(s) with clinical features of Emery-Dreifuss muscular dystrophy (PMID: 25210889). ClinVar contains an entry for this variant (Variation ID: 1036671). An algorithm developed to predict the effect of missense changes on protein structure and function (PolyPhen-2) suggests that this variant is likely to be tolerated. In summary, the available evidence is currently insufficient to determine the role of this variant in disease. Therefore, it has been classified as a Variant of Uncertain Significance.

Literature cited by the submitters: PubMed 25210889.

NM_015374.3(SUN2):c.1314A>T (p.Glu438Asp)

Genes: GTPBP1 (GTP binding protein 1; plus strand), SUN2 (Sad1 and UNC84 domain containing 2; minus strand). Cytogenetic location: 22q13.1.
Variant type: single nucleotide variant.
Coding change: c.1314A>T on transcript NM_015374.3 (MANE Select); coding-DNA position 1314, A replaced by T.
Protein change: p.Glu438Asp; replaces glutamic acid 438 with aspartic acid.
Molecular consequence: missense variant.
Genome position (GRCh38, 1-based): chr22:38,740,309, T>A on the plus strand (A>T on the coding strand, the complement: SUN2 is on the minus strand). VCF-style: chr22-38740309-T-A. GRCh37 (hg19) VCF-style: chr22-39136314-T-A.
Other names: c.1377A>T, p.Glu459Asp (NM_001199579.2); c.1314A>T, p.Glu438Asp (NM_001199580.2); short protein forms E438D, E459D.
Identifiers: ClinVar variation 1036671 (VCV001036671.8), dbSNP rs200311518, ClinGen allele CA10235600.